The following is an entry in ClinVar:

NM_001851.6(COL9A1):c.2360G>T (p.Gly787Val)

Gene: COL9A1 (collagen type IX alpha 1 chain; minus strand). Cytogenetic location: 6q13.
Variant type: single nucleotide variant.
Coding change: c.2360G>T on transcript NM_001851.6 (MANE Select); coding-DNA position 2360, G replaced by T.
Protein change: p.Gly787Val; replaces glycine 787 with valine.
Molecular consequence: missense variant. On other transcripts: non-coding transcript variant (1).
Genome position (GRCh38, 1-based): chr6:70,232,726, C>A on the plus strand (G>T on the coding strand, the complement: COL9A1 is on the minus strand). VCF-style: chr6-70232726-C-A. GRCh37 (hg19) VCF-style: chr6-70942429-C-A.
Other names: c.1661G>T, p.Gly554Val (NM_001377289.1); c.1484G>T, p.Gly495Val (NM_001377290.1); c.1631G>T, p.Gly544Val (NM_078485.4); short protein forms G495V, G544V, G554V, G787V.
Identifiers: ClinVar variation 2124713 (VCV002124713.3), dbSNP rs1014122856, ClinGen allele CA140846087.

ClinVar aggregate classification (germline): Uncertain significance (1 of 4 stars; one submission).

Allele frequency attached by ClinVar (database versions not stated): gnomAD 0.00002; TOPMed 0.00003.
gnomAD v4.1: 3 of 1,613,748 alleles (0.00019%); highest among the groups gnomAD compares: African/African-American, 0.0027%; no homozygotes.

Submission:

Labcorp Genetics (formerly Invitae), Labcorp
Classification: Uncertain significance. Last evaluated: 2022-04-11. Review status: criteria provided, single submitter. Criteria: Invitae Variant Classification Sherloc (09022015). Collection method: clinical testing. Allele origin: germline.
Comment: This sequence change replaces glycine, which is neutral and non-polar, with valine, which is neutral and non-polar, at codon 787 of the COL9A1 protein (p.Gly787Val). In summary, the available evidence is currently insufficient to determine the role of this variant in disease. Therefore, it has been classified as a Variant of Uncertain Significance. Advanced modeling of protein sequence and biophysical properties (such as structural, functional, and spatial information, amino acid conservation, physicochemical variation, residue mobility, and thermodynamic stability) performed at Invitae indicates that this missense variant is not expected to disrupt COL9A1 protein function. This variant has not been reported in the literature in individuals affected with COL9A1-related conditions. This variant is present in population databases (no rsID available, gnomAD 0.01%).